The following is an entry in ClinVar:

ClinVar aggregate classification (germline): Uncertain significance. Review status: criteria provided, multiple submitters, no conflicts (2 of 4 stars). 2 submissions from 2 submitters: Uncertain significance (2). Last evaluated 2024-06-21.

Conditions:
Hemolytic anemia due to adenylate kinase deficiency (CNSHA3). Also called: ANEMIA, CONGENITAL, NONSPHEROCYTIC HEMOLYTIC, 3. Identifiers: Orphanet 86817, MedGen C2675459, MONDO:0012967, OMIM 612631.

Allele frequency attached by ClinVar (database versions not stated): ExAC 0.00002; gnomAD 0.00002; gnomAD exomes 0.00002; TOPMed 0.00003.
gnomAD v4.1: 25 of 1,613,888 alleles (0.0015%); highest among the groups gnomAD compares: East Asian, 0.0045%; no homozygotes.

Submissions (2):

Labcorp Genetics (formerly Invitae), Labcorp
Classification: Uncertain significance. Last evaluated: 2024-06-21. Review status: criteria provided, single submitter. Criteria: Invitae Variant Classification Sherloc (09022015). Collection method: clinical testing. Allele origin: germline.
Comment: This sequence change replaces arginine, which is basic and polar, with tryptophan, which is neutral and slightly polar, at codon 77 of the AK1 protein (p.Arg77Trp). This variant is present in population databases (rs766671097, gnomAD 0.01%). This variant has not been reported in the literature in individuals affected with AK1-related conditions. ClinVar contains an entry for this variant (Variation ID: 2438951). An algorithm developed to predict the effect of missense changes on protein structure and function (PolyPhen-2) suggests that this variant is likely to be disruptive. In summary, the available evidence is currently insufficient to determine the role of this variant in disease. Therefore, it has been classified as a Variant of Uncertain Significance.

Revvity Omics, Revvity
Classification: Uncertain significance for Hemolytic anemia due to adenylate kinase deficiency. Last evaluated: 2021-12-02. Review status: criteria provided, single submitter. Criteria: ACMG Guidelines, 2015. Collection method: clinical testing. Allele origin: germline.

NM_000476.3(AK1):c.229C>T (p.Arg77Trp)

Genes: AK1 (adenylate kinase 1; minus strand), ST6GALNAC4-ST6GALNAC6-AK1 (ST6GALNAC4-ST6GALNAC6-AK1 readthrough; minus strand). Cytogenetic location: 9q34.11.
Variant type: single nucleotide variant.
Coding change: c.229C>T on transcript NM_000476.3 (MANE Select); coding-DNA position 229, C replaced by T.
Protein change: p.Arg77Trp; replaces arginine 77 with tryptophan.
Molecular consequence: missense variant. On other transcripts: non-coding transcript variant (8).
Genome position (GRCh38, 1-based): chr9:127,871,918, G>A on the plus strand (C>T on the coding strand, the complement: AK1 is on the minus strand). VCF-style: chr9-127871918-G-A. GRCh37 (hg19) VCF-style: chr9-130634197-G-A.
Other names: c.229C>T, p.Arg77Trp (NM_001318121.1); c.277C>T, p.Arg93Trp (NM_001318122.2); short protein forms R77W, R93W.
Identifiers: ClinVar variation 2438951 (VCV002438951.5), dbSNP rs766671097, ClinGen allele CA5253396.